The following is an entry in ClinVar:

NM_170707.4(LMNA):c.1234G>A (p.Gly412Arg)

Gene: LMNA (lamin A/C; plus strand). Cytogenetic location: 1q22.
Variant type: single nucleotide variant.
Coding change: c.1234G>A on transcript NM_170707.4 (MANE Select); coding-DNA position 1234, G replaced by A.
Protein change: p.Gly412Arg; replaces glycine 412 with arginine.
Molecular consequence: missense variant.
Genome position (GRCh38, 1-based): chr1:156,136,290, G>A. VCF-style: chr1-156136290-G-A. GRCh37 (hg19) VCF-style: chr1-156106081-G-A.
Other names: c.898G>A, p.Gly300Arg (NM_001257374.3); c.991G>A, p.Gly331Arg (NM_001282624.2); c.1234G>A, p.Gly412Arg (NM_001282625.2, NM_001282626.2, NM_005572.4 and 1 more transcripts); short protein forms G300R, G331R, G412R.
Identifiers: ClinVar variation 1171687 (VCV001171687.8), dbSNP rs966050612, ClinGen allele CA342821287.

ClinVar aggregate classification (germline): Uncertain significance. Review status: criteria provided, multiple submitters, no conflicts (2 of 4 stars). 2 submissions from 2 submitters: Uncertain significance (2). Last evaluated 2024-03-07.

Conditions:
Cardiomyopathy (CMYO). Also called: Cardiomyopathies. Identifiers: Orphanet 167848, MedGen C0878544, MONDO:0004994, HP:0001638. Inheritance: Various modes of inheritance.
Charcot-Marie-Tooth disease type 2. Also called: Charcot-Marie-Tooth type 2. Identifiers: Orphanet 64746, MedGen C0270914, MONDO:0018993.

gnomAD v4.1: 1 of 1,611,994 alleles (0.000062%); highest among the groups gnomAD compares: African/African-American, 0.0013%; no homozygotes.

Submissions (2):

Color Diagnostics, LLC DBA Color Health
Classification: Uncertain significance for Cardiomyopathy. Last evaluated: 2024-03-07. Review status: criteria provided, single submitter. Criteria: ACMG Guidelines, 2015. Collection method: clinical testing. Allele origin: germline.
Comment: This missense variant replaces glycine with arginine at codon 412 of the LMNA protein. Computational prediction tools indicate that this variant has a neutral impact on protein structure and function. To our knowledge, functional studies have not been reported for this variant. This variant has not been reported in individuals affected with LMNA-related disorders in the literature. This variant has not been identified in the general population by the Genome Aggregation Database (gnomAD). The available evidence is insufficient to determine the role of this variant in disease conclusively. Therefore, this variant is classified as a Variant of Uncertain Significance.

Labcorp Genetics (formerly Invitae), Labcorp
Classification: Uncertain significance for Charcot-Marie-Tooth disease type 2. Last evaluated: 2022-12-21. Review status: criteria provided, single submitter. Criteria: Invitae Variant Classification Sherloc (09022015). Collection method: clinical testing. Allele origin: germline.
Comment: In summary, the available evidence is currently insufficient to determine the role of this variant in disease. Therefore, it has been classified as a Variant of Uncertain Significance. Algorithms developed to predict the effect of missense changes on protein structure and function (SIFT, PolyPhen-2, Align-GVGD) all suggest that this variant is likely to be tolerated. ClinVar contains an entry for this variant (Variation ID: 1171687). This variant has not been reported in the literature in individuals affected with LMNA-related conditions. This variant is not present in population databases (gnomAD no frequency). This sequence change replaces glycine, which is neutral and non-polar, with arginine, which is basic and polar, at codon 412 of the LMNA protein (p.Gly412Arg).